The following is an entry in ClinVar:

NM_001197104.2(KMT2A):c.195_203del (p.Ala66_Gly68del)

Gene: KMT2A (lysine methyltransferase 2A; plus strand). Cytogenetic location: 11q23.3.
Variant type: Deletion.
Coding change: c.195_203del on transcript NM_001197104.2 (MANE Select); coding-DNA positions 195 to 203, 9 bases deleted (GGCGGCGGG; older notation c.195_203delGGCGGCGGG).
Protein change: p.Ala66_Gly68del.
Molecular consequence: inframe deletion.
Genome position (GRCh38, 1-based): chr11:118,436,707-118,436,715, GGCGGCGGG deleted. VCF-style (leftmost placement, unchanged base first): chr11-118436706-CGGCGGCGGG-C. GRCh37 (hg19) VCF-style: chr11-118307421-CGGCGGCGGG-C.
Other names: c.195_203del, p.Ala66_Gly68del (NM_001412597.1, NM_005933.4).
Identifiers: ClinVar variation 4704542 (VCV004704542.1).

ClinVar aggregate classification (germline): Uncertain significance (1 of 4 stars; one submission).

Submission:

Labcorp Genetics (formerly Invitae), Labcorp
Classification: Uncertain significance. Last evaluated: 2025-06-20. Review status: criteria provided, single submitter. Criteria: Invitae Variant Classification Sherloc (09022015). Collection method: clinical testing. Allele origin: germline.
Comment: This variant, c.195_203del, results in the deletion of 3 amino acid(s) of the KMT2A protein (p.Ala66_Gly68del), but otherwise preserves the integrity of the reading frame. This variant is not present in population databases (gnomAD no frequency). This variant has not been reported in the literature in individuals affected with KMT2A-related conditions. Experimental studies and prediction algorithms are not available or were not evaluated, and the functional significance of this variant is currently unknown. In summary, the available evidence is currently insufficient to determine the role of this variant in disease. Therefore, it has been classified as a Variant of Uncertain Significance.